The following is an entry in ClinVar:

NM_000384.3(APOB):c.5152A>T (p.Ile1718Phe)

Gene: APOB (apolipoprotein B; minus strand). Cytogenetic location: 2p24.1.
Variant type: single nucleotide variant.
Coding change: c.5152A>T on transcript NM_000384.3 (MANE Select); coding-DNA position 5152, A replaced by T.
Protein change: p.Ile1718Phe; replaces isoleucine 1718 with phenylalanine.
Molecular consequence: missense variant.
Genome position (GRCh38, 1-based): chr2:21,011,716, T>A on the plus strand (A>T on the coding strand, the complement: APOB is on the minus strand). VCF-style: chr2-21011716-T-A. GRCh37 (hg19) VCF-style: chr2-21234588-T-A.
Other names: short protein forms I1718F.
Identifiers: ClinVar variation 3751836 (VCV003751836.2).

ClinVar aggregate classification (germline): Uncertain significance (1 of 4 stars; one submission).

Conditions:
Familial hypobetalipoproteinemia 1. Also called: APOB-Related Familial Hypobetalipoproteinemia; Hypobetalipoproteinemia, normotriglyceridemic; Acanthocytosis with hypobetalipoproteinemia. Identifiers: MedGen C4551990, MONDO:0014252, OMIM 615558.
Hypercholesterolemia, autosomal dominant, type B (FHCL2). Also called: Familial Hypercholesterolemia Type B; APOLIPOPROTEIN B-100, FAMILIAL DEFECTIVE; APOLIPOPROTEIN B-100, FAMILIAL LIGAND-DEFECTIVE; HYPERCHOLESTEROLEMIA, FAMILIAL, DUE TO LIGAND-DEFECTIVE APOLIPOPROTEIN B; Hyperlipoproteinemia Type IIb; Familial hypercholesterolemia 2. Identifiers: MedGen C1704417, MONDO:0007751, OMIM 144010.

Submission:

Labcorp Genetics (formerly Invitae), Labcorp
Classification: Uncertain significance for Familial hypobetalipoproteinemia 1; Hypercholesterolemia, autosomal dominant, type B. Last evaluated: 2025-01-21. Review status: criteria provided, single submitter. Criteria: Invitae Variant Classification Sherloc (09022015). Collection method: clinical testing. Allele origin: germline.
Comment: This sequence change replaces isoleucine, which is neutral and non-polar, with phenylalanine, which is neutral and non-polar, at codon 1718 of the APOB protein (p.Ile1718Phe). This variant is not present in population databases (gnomAD no frequency). This variant has not been reported in the literature in individuals affected with APOB-related conditions. Invitae Evidence Modeling of protein sequence and biophysical properties (such as structural, functional, and spatial information, amino acid conservation, physicochemical variation, residue mobility, and thermodynamic stability) indicates that this missense variant is not expected to disrupt APOB protein function with a negative predictive value of 95%. In summary, the available evidence is currently insufficient to determine the role of this variant in disease. Therefore, it has been classified as a Variant of Uncertain Significance.